The following is an entry in ClinVar:

NM_001184880.2(PCDH19):c.1862A>G (p.Asn621Ser)

Gene: PCDH19 (protocadherin 19; minus strand). Cytogenetic location: Xq22.1.
Variant type: single nucleotide variant.
Coding change: c.1862A>G on transcript NM_001184880.2 (MANE Select); coding-DNA position 1862, A replaced by G.
Protein change: p.Asn621Ser; replaces asparagine 621 with serine.
Molecular consequence: missense variant.
Genome position (GRCh38, 1-based): chrX:100,406,736, T>C on the plus strand (A>G on the coding strand, the complement: PCDH19 is on the minus strand). VCF-style: chrX-100406736-T-C. GRCh37 (hg19) VCF-style: chrX-99661734-T-C.
Other names: c.1862A>G, p.Asn621Ser (NM_001105243.2, NM_020766.3); short protein forms N621S.
Identifiers: ClinVar variation 3022034 (VCV003022034.3), dbSNP rs776259693, ClinGen allele CA10468842.

ClinVar aggregate classification (germline): Uncertain significance (1 of 4 stars; one submission).

Conditions:
Developmental and epileptic encephalopathy, 9 (DEE9). Also called: JUBERG-HELLMAN SYNDROME; Early infantile epileptic encephalopathy 9; EPILEPSY, FEMALE-RESTRICTED, WITH MENTAL RETARDATION; PCDH19-Related X-Linked Female-Limited Epilepsy with Mental Retardation. Identifiers: Orphanet 101039, Orphanet 2076, MedGen C1848137, MONDO:0010246, OMIM 300088. Disease mechanism: loss of function.

Allele frequency attached by ClinVar (database versions not stated): ExAC 0.00001; gnomAD 0.00002; TOPMed 0.00002.

Submission:

Labcorp Genetics (formerly Invitae), Labcorp
Classification: Uncertain significance for Developmental and epileptic encephalopathy, 9. Last evaluated: 2023-07-13. Review status: criteria provided, single submitter. Criteria: Invitae Variant Classification Sherloc (09022015). Collection method: clinical testing. Allele origin: germline.
Comment: This variant is present in population databases (rs776259693, gnomAD 0.008%). In summary, the available evidence is currently insufficient to determine the role of this variant in disease. Therefore, it has been classified as a Variant of Uncertain Significance. Advanced modeling of protein sequence and biophysical properties (such as structural, functional, and spatial information, amino acid conservation, physicochemical variation, residue mobility, and thermodynamic stability) performed at Invitae indicates that this missense variant is not expected to disrupt PCDH19 protein function. This variant has not been reported in the literature in individuals affected with PCDH19-related conditions. This sequence change replaces asparagine, which is neutral and polar, with serine, which is neutral and polar, at codon 621 of the PCDH19 protein (p.Asn621Ser).